The following is an entry in ClinVar:

NM_001386135.1(AFF3):c.1354C>G (p.His452Asp)

Gene: AFF3 (ALF transcription elongation factor 3; minus strand). Cytogenetic location: 2q11.2.
Variant type: single nucleotide variant.
Coding change: c.1354C>G on transcript NM_001386135.1 (MANE Select); coding-DNA position 1354, C replaced by G.
Protein change: p.His452Asp; replaces histidine 452 with aspartic acid.
Molecular consequence: missense variant.
Genome position (GRCh38, 1-based): chr2:99,601,452, G>C on the plus strand (C>G on the coding strand, the complement: AFF3 is on the minus strand). VCF-style: chr2-99601452-G-C. GRCh37 (hg19) VCF-style: chr2-100217914-G-C.
Other names: c.1429C>G, p.His477Asp (NM_001025108.2); c.1354C>G, p.His452Asp (NM_002285.3); short protein forms H452D, H477D.
Identifiers: ClinVar variation 3357793 (VCV003357793.1).

ClinVar aggregate classification (germline): Likely benign (0 of 4 stars; one submission).

Conditions:
AFF3-related disorder. Also called: AFF3-related condition.

gnomAD v4.1: 532 of 1,606,690 alleles (0.033%); highest among the groups gnomAD compares: Non-Finnish European, 0.043%; no homozygotes.

Submission:

PreventionGenetics, part of Exact Sciences
Classification: Likely benign for AFF3-related condition. Last evaluated: 2024-04-23. Review status: no assertion criteria provided. Collection method: clinical testing. Allele origin: germline.
Comment: This variant is classified as likely benign based on ACMG/AMP sequence variant interpretation guidelines (Richards et al. 2015 PMID: 25741868, with internal and published modifications).